The following is an entry in ClinVar:

ClinVar aggregate classification (germline): Uncertain significance (1 of 4 stars; one submission).

Conditions:
Muscular dystrophy-dystroglycanopathy (congenital with brain and eye anomalies), type a, 12 (MDDGA12). Also called: WALKER-WARBURG SYNDROME OR MUSCLE-EYE-BRAIN DISEASE, POMK-RELATED. Identifiers: Orphanet 899, MedGen C3808964, MONDO:0014101, OMIM 615249.
Limb-girdle muscular dystrophy due to POMK deficiency. Also called: MUSCULAR DYSTROPHY-DYSTROGLYCANOPATHY, LIMB-GIRDLE, POMK-RELATED; Muscular dystrophy-dystroglycanopathy (limb-girdle), type c, 12. Identifiers: Orphanet 445110, MedGen C4015184, MONDO:0014489, OMIM 616094.

Submission:

Labcorp Genetics (formerly Invitae), Labcorp
Classification: Uncertain significance for Muscular dystrophy-dystroglycanopathy (congenital with brain and eye anomalies), type a, 12; Limb-girdle muscular dystrophy due to POMK deficiency. Last evaluated: 2022-07-17. Review status: criteria provided, single submitter. Criteria: Invitae Variant Classification Sherloc (09022015). Collection method: clinical testing. Allele origin: germline.
Comment: This sequence change replaces serine, which is neutral and polar, with threonine, which is neutral and polar, at codon 290 of the POMK protein (p.Ser290Thr). This variant is not present in population databases (gnomAD no frequency). This variant has not been reported in the literature in individuals affected with POMK-related conditions. Algorithms developed to predict the effect of missense changes on protein structure and function (SIFT, PolyPhen-2, Align-GVGD) all suggest that this variant is likely to be tolerated. In summary, the available evidence is currently insufficient to determine the role of this variant in disease. Therefore, it has been classified as a Variant of Uncertain Significance.

NM_032237.5(POMK):c.869G>C (p.Ser290Thr)

Gene: POMK (protein O-mannose kinase; plus strand). Cytogenetic location: 8p11.21.
Variant type: single nucleotide variant.
Coding change: c.869G>C on transcript NM_032237.5 (MANE Select); coding-DNA position 869, G replaced by C.
Protein change: p.Ser290Thr; replaces serine 290 with threonine.
Molecular consequence: missense variant.
Genome position (GRCh38, 1-based): chr8:43,122,693, G>C. VCF-style: chr8-43122693-G-C. GRCh37 (hg19) VCF-style: chr8-42977836-G-C.
Other names: c.869G>C, p.Ser290Thr (NM_001277971.2); short protein forms S290T.
Identifiers: ClinVar variation 1895531 (VCV001895531.5), dbSNP rs2486781123, ClinGen allele CA371122855.
Genomic context (GRCh38, chr8:43,122,693, plus strand): 5'-ATGATCTCATGCCCTCATATGATGAGAAGATTGACATTTGGAAGATCCCAGACATCTCCA[G>C]TTTCCTTCTGGGGCACATTGAAGGGAGTGATATGGTCCGATTCCATTTGTTTGATATTCA-3'
Protein context (NP_115613.1, residues 280-300): IDIWKIPDIS[Ser290Thr]FLLGHIEGSD